The following is an entry in ClinVar:

NM_004663.5(RAB11A):c.343A>C (p.Ser115Arg)

Gene: RAB11A (RAB11A, member RAS oncogene family; plus strand). Cytogenetic location: 15q22.31.
Variant type: single nucleotide variant.
Coding change: c.343A>C on transcript NM_004663.5 (MANE Select); coding-DNA position 343, A replaced by C.
Protein change: p.Ser115Arg; replaces serine 115 with arginine.
Molecular consequence: missense variant.
Genome position (GRCh38, 1-based): chr15:65,877,868, A>C. VCF-style: chr15-65877868-A-C. GRCh37 (hg19) VCF-style: chr15-66170206-A-C.
Other names: c.343A>C, p.Ser115Arg (NM_001206836.2); short protein forms S115R.
Identifiers: ClinVar variation 5008780 (VCV005008780.1).

ClinVar aggregate classification (germline): Uncertain significance (1 of 4 stars; one submission).

Submission:

GeneDx
Classification: Uncertain significance. Last evaluated: 2026-03-14. Review status: criteria provided, single submitter. Criteria: GeneDx Variant Classification Process June 2021. Collection method: clinical testing. Allele origin: germline.
Comment: Not observed at significant frequency in large population cohorts (gnomAD); In silico analysis supports that this missense variant has a deleterious effect on protein structure/function; Has not been previously published as pathogenic or benign to our knowledge